The following is an entry in ClinVar:

ClinVar aggregate classification (germline): Uncertain significance (1 of 4 stars; one submission).

Conditions:
Maple syrup urine disease (MSUD). Identifiers: Orphanet 511, MedGen C0024776, MeSH D008375, MONDO:0009563. Disease mechanism: loss of function.

Allele frequency attached by ClinVar (database versions not stated): gnomAD exomes below 0.00001 and 0.00001; ExAC 0.00001.
gnomAD v4.1: 3 of 1,609,130 alleles (0.00019%); highest among the groups gnomAD compares: Non-Finnish European, 0.00026%; no homozygotes.

Submission:

Labcorp Genetics (formerly Invitae), Labcorp
Classification: Uncertain significance for Maple syrup urine disease. Last evaluated: 2025-03-07. Review status: criteria provided, single submitter. Criteria: Invitae Variant Classification Sherloc (09022015). Collection method: clinical testing. Allele origin: germline.
Comment: This sequence change replaces lysine, which is basic and polar, with arginine, which is basic and polar, at codon 113 of the BCKDHB protein (p.Lys113Arg). This variant is present in population databases (rs770263755, gnomAD 0.0009%). This variant has not been reported in the literature in individuals affected with BCKDHB-related conditions. ClinVar contains an entry for this variant (Variation ID: 1419621). Invitae Evidence Modeling of protein sequence and biophysical properties (such as structural, functional, and spatial information, amino acid conservation, physicochemical variation, residue mobility, and thermodynamic stability) indicates that this missense variant is not expected to disrupt BCKDHB protein function with a negative predictive value of 80%. In summary, the available evidence is currently insufficient to determine the role of this variant in disease. Therefore, it has been classified as a Variant of Uncertain Significance.

NM_183050.4(BCKDHB):c.338A>G (p.Lys113Arg)

Gene: BCKDHB (branched chain keto acid dehydrogenase E1 subunit beta; plus strand). Cytogenetic location: 6q14.1.
Variant type: single nucleotide variant.
Coding change: c.338A>G on transcript NM_183050.4 (MANE Select); coding-DNA position 338, A replaced by G.
Protein change: p.Lys113Arg; replaces lysine 113 with arginine.
Molecular consequence: missense variant. On other transcripts: non-coding transcript variant (1).
Genome position (GRCh38, 1-based): chr6:80,129,224, A>G. VCF-style: chr6-80129224-A-G. GRCh37 (hg19) VCF-style: chr6-80838941-A-G.
Other names: c.338A>G, p.Lys113Arg (NM_000056.5); c.128A>G, p.Lys43Arg (NM_001318975.1); short protein forms K113R, K43R.
Identifiers: ClinVar variation 1419621 (VCV001419621.9), dbSNP rs770263755, ClinGen allele CA3902578.